The following is an entry in ClinVar:

ClinVar aggregate classification (germline): Benign/Likely benign. Review status: criteria provided, multiple submitters, no conflicts (2 of 4 stars). 5 submissions from 5 submitters: Benign (1); Likely benign (3). 1 of the submissions does not count toward it. Last evaluated 2026-01-19.

Conditions:
Hypertrophic cardiomyopathy 26. Also called: Cardiomyopathy, familial hypertrophic, 26. Identifiers: Orphanet 75249, MedGen C4310749, MONDO:0014883, OMIM 617047.
Myofibrillar myopathy 5. Also called: Filaminopathy (type); FILAMINOPATHY, AUTOSOMAL DOMINANT. Identifiers: Orphanet 171445, MedGen C1836050, MONDO:0012289, OMIM 609524.
Distal myopathy with posterior leg and anterior hand involvement. Also called: WILLIAMS DISTAL MYOPATHY. Identifiers: Orphanet 63273, MedGen C3279722, MONDO:0013550, OMIM 614065.
FLNC-related disorder. Also called: FLNC-related disorders; FLNC-related condition.
Cardiovascular phenotype. Identifiers: MedGen CN230736.

Allele frequency attached by ClinVar (database versions not stated): gnomAD 0.00005 and 0.00009; TOPMed 0.00007; 1000 Genomes Project 30x 0.00016; 1000 Genomes Project 0.00020; ESP Exome Variant Server 0.00024; ExAC 0.00028.
gnomAD v4.1: 215 of 1,612,202 alleles (0.013%); highest among the groups gnomAD compares: South Asian, 0.21%; no homozygotes.

Submissions (5):

Labcorp Genetics (formerly Invitae), Labcorp
Classification: Benign for Distal myopathy with posterior leg and anterior hand involvement; Myofibrillar myopathy 5; Hypertrophic cardiomyopathy 26. Last evaluated: 2026-01-19. Review status: criteria provided, single submitter. Criteria: Invitae Variant Classification Sherloc (09022015). Collection method: clinical testing. Allele origin: germline.

Blueprint Genetics
Classification: Likely benign. Last evaluated: 2023-04-27. Review status: criteria provided, single submitter. Criteria: ACMG Guidelines, 2015. Collection method: clinical testing. Allele origin: germline.

Ambry Genetics
Classification: Likely benign for Cardiovascular phenotype. Last evaluated: 2019-11-18. Review status: criteria provided, single submitter. Criteria: Ambry Variant Classification Scheme 2023. Collection method: clinical testing. Allele origin: germline.

GeneDx
Classification: Likely benign. Last evaluated: 2019-05-30. Review status: criteria provided, single submitter. Criteria: GeneDx Variant Classification Process June 2021. Collection method: clinical testing. Allele origin: germline. Affected: yes.

PreventionGenetics, part of Exact Sciences
Classification: Likely benign for FLNC-related condition. Last evaluated: 2020-08-20. Review status: no assertion criteria provided. Collection method: clinical testing. Allele origin: germline. Not counted in ClinVar's aggregate classification.
Comment: This variant is classified as likely benign based on ACMG/AMP sequence variant interpretation guidelines (Richards et al. 2015 PMID: 25741868, with internal and published modifications).

NM_001458.5(FLNC):c.3138G>A (p.Pro1046=)

Gene: FLNC (filamin C; plus strand). Cytogenetic location: 7q32.1.
Variant type: single nucleotide variant.
Coding change: c.3138G>A on transcript NM_001458.5 (MANE Select); coding-DNA position 3138, G replaced by A.
Protein change: p.Pro1046=; no amino-acid change (proline 1046 retained).
Molecular consequence: synonymous variant.
Genome position (GRCh38, 1-based): chr7:128,844,212, G>A. VCF-style: chr7-128844212-G-A. GRCh37 (hg19) VCF-style: chr7-128484266-G-A.
Other names: c.3138G>A, p.Pro1046= (NM_001127487.2).
Identifiers: ClinVar variation 384156 (VCV000384156.19), dbSNP rs369739262, ClinGen allele CA4474963.